The following is an entry in ClinVar:

NM_177438.3(DICER1):c.2524A>G (p.Met842Val)

Gene: DICER1 (dicer 1, ribonuclease III; minus strand). Cytogenetic location: 14q32.13.
Variant type: single nucleotide variant.
Coding change: c.2524A>G on transcript NM_177438.3 (MANE Select); coding-DNA position 2524, A replaced by G.
Protein change: p.Met842Val; replaces methionine 842 with valine.
Molecular consequence: missense variant. On other transcripts: non-coding transcript variant (6).
Genome position (GRCh38, 1-based): chr14:95,108,006, T>C on the plus strand (A>G on the coding strand, the complement: DICER1 is on the minus strand). VCF-style: chr14-95108006-T-C. GRCh37 (hg19) VCF-style: chr14-95574343-T-C.
Other names: c.2524A>G, p.Met842Val (NM_001195573.1, NM_001271282.3, NM_001291628.2 and 13 more transcripts); c.2242A>G, p.Met748Val (NM_001395686.1); c.2119A>G, p.Met707Val (NM_001395687.1, NM_001395688.1, NM_001395689.1 and 2 more transcripts); c.1957A>G, p.Met653Val (NM_001395691.1); c.841A>G, p.Met281Val (NM_001395697.1); short protein forms M707V, M748V, M281V, M653V, M842V.
Identifiers: ClinVar variation 2451685 (VCV002451685.3), dbSNP rs1196111891, ClinGen allele CA390881843.

ClinVar aggregate classification (germline): Uncertain significance (1 of 4 stars; one submission).

Conditions:
Hereditary cancer-predisposing syndrome. Also called: Neoplastic Syndromes, Hereditary; Tumor predisposition; Hereditary neoplastic syndrome; Hereditary Cancer Syndrome. Identifiers: Orphanet 140162, MedGen C0027672, MeSH D009386, MONDO:0015356.

Allele frequency attached by ClinVar (database versions not stated): gnomAD exomes below 0.00001.
gnomAD v4.1: 1 of 1,613,626 alleles (0.000062%); highest among the groups gnomAD compares: Non-Finnish European, 0.000085%; no homozygotes.

Submission:

Ambry Genetics
Classification: Uncertain significance for Hereditary cancer-predisposing syndrome. Last evaluated: 2025-10-06. Review status: criteria provided, single submitter. Criteria: Ambry Variant Classification Scheme 2023. Collection method: clinical testing. Allele origin: germline.
Comment: The p.M842V variant (also known as c.2524A>G), located in coding exon 15 of the DICER1 gene, results from an A to G substitution at nucleotide position 2524. The methionine at codon 842 is replaced by valine, an amino acid with highly similar properties. This amino acid position is conserved. In addition, this alteration is predicted to be tolerated by in silico analysis. Based on the available evidence, the clinical significance of this variant remains unclear.